The following is an entry in ClinVar:

ClinVar aggregate classification (germline): Uncertain significance. Review status: criteria provided, multiple submitters, no conflicts (2 of 4 stars). 3 submissions from 3 submitters: Uncertain significance (3). Last evaluated 2025-10-23.

Conditions:
Stromme syndrome (STROMS). Also called: Ciliary dyskinesia, primary, 31; Strømme Syndrome; APPLE PEEL SYNDROME WITH MICROCEPHALY AND OCULAR ANOMALIES. Identifiers: Orphanet 444069, Orphanet 506307, MedGen C1855705, MONDO:0009477, OMIM 243605.

Allele frequency attached by ClinVar (database versions not stated): gnomAD 0.00007 and 0.00008; ExAC 0.00010; TOPMed 0.00009; ESP Exome Variant Server 0.00023; gnomAD exomes 0.00009.

Submissions (3):

Labcorp Genetics (formerly Invitae), Labcorp
Classification: Uncertain significance. Last evaluated: 2025-10-23. Review status: criteria provided, single submitter. Criteria: Invitae Variant Classification Sherloc (09022015). Collection method: clinical testing. Allele origin: germline.
Comment: This sequence change replaces asparagine, which is neutral and polar, with serine, which is neutral and polar, at codon 2451 of the CENPF protein (p.Asn2451Ser). This variant is present in population databases (rs138083875, gnomAD 0.01%). This variant has not been reported in the literature in individuals affected with CENPF-related conditions. ClinVar contains an entry for this variant (Variation ID: 377215). An algorithm developed to predict the effect of missense changes on protein structure and function outputs the following: PolyPhen-2: "Benign". The serine amino acid residue is found in multiple mammalian species, which suggests that this missense change does not adversely affect protein function. In summary, the available evidence is currently insufficient to determine the role of this variant in disease. Therefore, it has been classified as a Variant of Uncertain Significance.

Baylor Genetics
Classification: Uncertain significance for Stromme syndrome. Last evaluated: 2019-12-30. Review status: criteria provided, single submitter. Criteria: ACMG Guidelines, 2015. Collection method: clinical testing. Allele origin: unknown. Affected: yes.
Comment: This variant was determined to be of uncertain significance according to ACMG Guidelines, 2015 [PMID:25741868].

Center for Pediatric Genomic Medicine, Children's Mercy Hospital and Clinics
Classification: Uncertain significance. Last evaluated: 2016-09-22. Review status: criteria provided, single submitter. Criteria: ACMG Guidelines, 2015. Collection method: clinical testing. Allele origin: germline.
ClinVar note: Converted during submission from Uncertain Significance to Uncertain significance.

NM_016343.4(CENPF):c.7352A>G (p.Asn2451Ser)

Gene: CENPF (centromere protein F; plus strand). Cytogenetic location: 1q41.
Variant type: single nucleotide variant.
Coding change: c.7352A>G on transcript NM_016343.4 (MANE Select); coding-DNA position 7352, A replaced by G.
Protein change: p.Asn2451Ser; replaces asparagine 2451 with serine.
Molecular consequence: missense variant.
Genome position (GRCh38, 1-based): chr1:214,646,922, A>G. VCF-style: chr1-214646922-A-G. GRCh37 (hg19) VCF-style: chr1-214820265-A-G.
Other names: short protein forms N2451S.
Identifiers: ClinVar variation 377215 (VCV000377215.5), dbSNP rs138083875, ClinGen allele CA1391103.